The following is an entry in ClinVar:

ClinVar aggregate classification (germline): Uncertain significance (1 of 4 stars; one submission).

Conditions:
Congenital myasthenic syndrome 12 (CMS12). Also called: MYASTHENIC SYNDROME, CONGENITAL, WITH TUBULAR AGGREGATES 1; Myasthenia, congenital, 12, with tubular aggregates. Identifiers: Orphanet 353327, Orphanet 590, MedGen C3552335, MONDO:0012518, OMIM 610542.

Submission:

Labcorp Genetics (formerly Invitae), Labcorp
Classification: Uncertain significance for Congenital myasthenic syndrome 12. Last evaluated: 2024-03-05. Review status: criteria provided, single submitter. Criteria: Invitae Variant Classification Sherloc (09022015). Collection method: clinical testing. Allele origin: germline.
Comment: This sequence change replaces glutamine, which is neutral and polar, with arginine, which is basic and polar, at codon 197 of the GFPT1 protein (p.Gln197Arg). This variant is present in population databases (no rsID available, gnomAD 0.01%). This missense change has been observed in individual(s) with clinical features of congenital myasthenic syndrome (Invitae). In at least one individual the data is consistent with being in trans (on the opposite chromosome) from a pathogenic variant. It has also been observed to segregate with disease in related individuals. Advanced modeling of protein sequence and biophysical properties (such as structural, functional, and spatial information, amino acid conservation, physicochemical variation, residue mobility, and thermodynamic stability) performed at Invitae indicates that this missense variant is not expected to disrupt GFPT1 protein function with a negative predictive value of 80%. In summary, the available evidence is currently insufficient to determine the role of this variant in disease. Therefore, it has been classified as a Variant of Uncertain Significance.

NM_001244710.2(GFPT1):c.590A>G (p.Gln197Arg)

Gene: GFPT1 (glutamine--fructose-6-phosphate transaminase 1; minus strand). Cytogenetic location: 2p13.3.
Variant type: single nucleotide variant.
Coding change: c.590A>G on transcript NM_001244710.2 (MANE Select); coding-DNA position 590, A replaced by G.
Protein change: p.Gln197Arg; replaces glutamine 197 with arginine.
Molecular consequence: missense variant.
Genome position (GRCh38, 1-based): chr2:69,356,511, T>C on the plus strand (A>G on the coding strand, the complement: GFPT1 is on the minus strand). VCF-style: chr2-69356511-T-C. GRCh37 (hg19) VCF-style: chr2-69583643-T-C.
Other names: c.590A>G, p.Gln197Arg (NM_002056.4); short protein forms Q197R.
Identifiers: ClinVar variation 3711209 (VCV003711209.2).
Genomic context (GRCh38, chr2:69,356,511, plus strand): 5'-TCAAATATGTTGAAATACATTAGTCATTGTTAGAGTTATATGTACCTTGTGCCAACTGCT[T>C]GCCCGGGAAAATGAACACTTTTAAACACAAGTGCAAAAGCACCTTCCTAGGGAGGGAAAA-3'
Protein context (NP_001231639.1, residues 187-207): LVFKSVHFPG[Gln197Arg]AVGTRRGSPL